The following is an entry in ClinVar:

ClinVar aggregate classification (germline): Benign. Review status: criteria provided, multiple submitters, no conflicts (2 of 4 stars). 6 submissions from 5 submitters: Benign (6). Last evaluated 2026-05-09.

Conditions:
Pseudoachondroplastic spondyloepiphyseal dysplasia syndrome (PSACH). Also called: Pseudoachondroplasia; PSEUDOACHONDROPLASTIC DYSPLASIA; COMP-Related Pseudoachondroplasia. Identifiers: Orphanet 750, MedGen C0410538, MONDO:0008322, OMIM 177170.
Multiple epiphyseal dysplasia type 1. Also called: COMP-Related Multiple Epiphyseal Dysplasia. Identifiers: Orphanet 93308, MedGen C1838280, MONDO:0007561, OMIM 132400.

Allele frequency attached by ClinVar (database versions not stated): gnomAD exomes 0.00676 and 0.01670; ExAC 0.01985; gnomAD 0.05884 and 0.06291; 1000 Genomes Project 0.06550; ESP Exome Variant Server 0.06605; TOPMed 0.06640; 1000 Genomes Project 30x 0.06793.
gnomAD v4.1: 19,264 of 1,611,440 alleles (1.2%); highest among the groups gnomAD compares: African/African-American, 21%; 1,650 homozygotes.

Submissions (6):

Women's Health and Genetics/Laboratory Corporation of America, LabCorp
Classification: Benign. Last evaluated: 2026-05-09. Review status: criteria provided, single submitter. Criteria: LabCorp Variant Classification Summary - May 2015. Collection method: clinical testing. Allele origin: germline.

GeneDx
Classification: Benign. Last evaluated: 2018-08-20. Review status: criteria provided, single submitter. Criteria: GeneDx Variant Classification Process June 2021. Collection method: clinical testing. Allele origin: germline. Affected: yes.

Illumina Laboratory Services, Illumina
Classification: Benign for Multiple epiphyseal dysplasia type 1. Last evaluated: 2018-01-12. Review status: criteria provided, single submitter. Criteria: ICSL Variant Classification Criteria 13 December 2019. Collection method: clinical testing. Allele origin: germline.
Comment: This variant was observed in the ICSL laboratory as part of a predisposition screen in an ostensibly healthy population. It had not been previously curated by ICSL or reported in the Human Gene Mutation Database (HGMD: prior to June 1st, 2018), and was therefore a candidate for classification through an automated scoring system. Utilizing variant allele frequency, disease prevalence and penetrance estimates, and inheritance mode, an automated score was calculated to assess if this variant is too frequent to cause the disease. Based on the score and internal cut-off values, a variant classified as benign is not then subjected to further curation. The score for this variant resulted in a classification of benign for this disease.

Illumina Laboratory Services, Illumina
Classification: Benign for Pseudoachondroplastic spondyloepiphyseal dysplasia syndrome. Last evaluated: 2018-01-12. Review status: criteria provided, single submitter. Criteria: ICSL Variant Classification Criteria 13 December 2019. Collection method: clinical testing. Allele origin: germline.
Comment: the same text as in the submission from Illumina Laboratory Services, Illumina above.

Breakthrough Genomics
Classification: Benign. Review status: criteria provided, single submitter. Criteria: ACMG Guidelines, 2015. Collection method: not provided. Allele origin: germline. Inheritance: Autosomal dominant inheritance. Affected: yes.

PreventionGenetics, part of Exact Sciences
Classification: Benign. Review status: criteria provided, single submitter. Criteria: ACMG Guidelines, 2015. Collection method: clinical testing. Allele origin: germline.

NM_000095.3(COMP):c.*1G>C

Gene: COMP (cartilage oligomeric matrix protein; minus strand). Cytogenetic location: 19p13.11.
Variant type: single nucleotide variant.
Coding change: c.*1G>C on transcript NM_000095.3 (MANE Select); 1 bases downstream of the stop codon, G replaced by C.
Molecular consequence: 3 prime UTR variant.
Genome position (GRCh38, 1-based): chr19:18,782,914, C>G on the plus strand (G>C on the coding strand, the complement: COMP is on the minus strand). VCF-style: chr19-18782914-C-G. GRCh37 (hg19) VCF-style: chr19-18893724-C-G.
Identifiers: ClinVar variation 255117 (VCV000255117.11), dbSNP rs77185131, ClinGen allele CA9316110.